The following is an entry in ClinVar:

NM_001329943.3(KIAA0586):c.1193del (p.Ser398fs)

Gene: KIAA0586 (KIAA0586; plus strand). Cytogenetic location: 14q23.1.
Variant type: Deletion.
Coding change: c.1193del on transcript NM_001329943.3 (MANE Select); coding-DNA position 1193, one base deleted (C; older notation c.1193delC).
Protein change: p.Ser398fs; shifts the reading frame from serine 398.
Molecular consequence: frameshift variant.
Genome position (GRCh38, 1-based): chr14:58,453,413, C deleted. VCF-style (leftmost placement, unchanged base first): chr14-58453412-TC-T. GRCh37 (hg19) VCF-style: chr14-58920130-TC-T.
Other names: c.1352del, p.Ser451fs (NM_001244189.2); c.1148del, p.Ser383fs (NM_001244190.2); c.938del, p.Ser313fs (NM_001244191.2, NM_001329945.2, NM_001364700.1 and 1 more transcripts); c.1061del, p.Ser354fs (NM_001244192.2); c.773del, p.Ser258fs (NM_001244193.2); c.1193del, p.Ser398fs (NM_001329944.2, NM_001329946.2, NM_001329947.2 and 1 more transcripts); short protein forms S383fs, S398fs, S451fs, S313fs, S354fs, S258fs.
Identifiers: ClinVar variation 2097513 (VCV002097513.4), dbSNP rs2543003338, ClinGen allele CA2580088287.

ClinVar aggregate classification (germline): Pathogenic (1 of 4 stars; one submission).

Conditions:
Short-rib thoracic dysplasia 14 with polydactyly (SRTD14). Identifiers: Orphanet 397715, MedGen C4225286, MONDO:0014688, OMIM 616546.
Joubert syndrome 23 (JBTS23). Identifiers: Orphanet 475, MedGen C4084822, MONDO:0014664, OMIM 616490.

Submission:

Labcorp Genetics (formerly Invitae), Labcorp
Classification: Pathogenic for Joubert syndrome 23; Short-rib thoracic dysplasia 14 with polydactyly. Last evaluated: 2025-03-17. Review status: criteria provided, single submitter. Criteria: Invitae Variant Classification Sherloc (09022015). Collection method: clinical testing. Allele origin: germline.
Comment: This sequence change creates a premature translational stop signal (p.Ser451Tyrfs*7) in the KIAA0586 gene. It is expected to result in an absent or disrupted protein product. Loss-of-function variants in KIAA0586 are known to be pathogenic (PMID: 26096313, 26166481, 26386044). This variant is not present in population databases (gnomAD no frequency). This variant has not been reported in the literature in individuals affected with KIAA0586-related conditions. ClinVar contains an entry for this variant (Variation ID: 2097513). For these reasons, this variant has been classified as Pathogenic.

Literature cited by the submitters: PubMed 26096313; PubMed 26166481; PubMed 26386044.